The following is an entry in ClinVar:

NM_001267550.2(TTN):c.59172T>C (p.Asp19724=)

Genes: TTN (titin; minus strand), TTN-AS1 (TTN antisense RNA 1; plus strand). Cytogenetic location: 2q31.2.
Variant type: single nucleotide variant.
Coding change: c.59172T>C on transcript NM_001267550.2 (MANE Select); coding-DNA position 59172, T replaced by C.
Protein change: p.Asp19724=; no amino-acid change (aspartic acid 19724 retained).
Molecular consequence: synonymous variant.
Genome position (GRCh38, 1-based): chr2:178,592,947, A>G on the plus strand (T>C on the coding strand, the complement: TTN is on the minus strand). VCF-style: chr2-178592947-A-G. GRCh37 (hg19) VCF-style: chr2-179457674-A-G.
Other names: c.54249T>C, p.Asp18083= (NM_001256850.1); c.31977T>C, p.Asp10659= (NM_003319.4); c.51468T>C, p.Asp17156= (NM_133378.4); c.32352T>C, p.Asp10784= (NM_133432.3); c.32553T>C, p.Asp10851= (NM_133437.4).
Identifiers: ClinVar variation 515250 (VCV000515250.11), dbSNP rs1373178934, ClinGen allele CA430267588.

ClinVar aggregate classification (germline): Likely benign. Review status: criteria provided, multiple submitters, no conflicts (2 of 4 stars). 3 submissions from 3 submitters: Likely benign (3). Last evaluated 2025-10-28.

Conditions:
Autosomal recessive limb-girdle muscular dystrophy type 2J (LGMDR10). Also called: MUSCULAR DYSTROPHY, LIMB-GIRDLE, AUTOSOMAL RECESSIVE 10; Limb-girdle muscular dystrophy, type 2J. Identifiers: Orphanet 140922, MedGen C1837342, MONDO:0012127, OMIM 608807.
Dilated cardiomyopathy 1G (CMD1G). Identifiers: Orphanet 154, MedGen C1858763, MONDO:0011400, OMIM 604145.
Cardiovascular phenotype. Identifiers: MedGen CN230736.

Allele frequency attached by ClinVar (database versions not stated): gnomAD exomes below 0.00001.
gnomAD v4.1: 3 of 1,613,424 alleles (0.00019%); highest among the groups gnomAD compares: South Asian, 0.0022%; no homozygotes.

Submissions (3):

Labcorp Genetics (formerly Invitae), Labcorp
Classification: Likely benign for Dilated cardiomyopathy 1G; Autosomal recessive limb-girdle muscular dystrophy type 2J. Last evaluated: 2025-10-28. Review status: criteria provided, single submitter. Criteria: Invitae Variant Classification Sherloc (09022015). Collection method: clinical testing. Allele origin: germline.

Ambry Genetics
Classification: Likely benign for Cardiovascular phenotype. Last evaluated: 2023-05-26. Review status: criteria provided, single submitter. Criteria: Ambry Variant Classification Scheme 2023. Collection method: clinical testing. Allele origin: germline.

GeneDx
Classification: Likely benign. Last evaluated: 2018-02-02. Review status: criteria provided, single submitter. Criteria: GeneDx Variant Classification (06012015). Collection method: clinical testing. Allele origin: germline. Affected: yes.
Comment: This variant is considered likely benign or benign based on one or more of the following criteria: it is a conservative change, it occurs at a poorly conserved position in the protein, it is predicted to be benign by multiple in silico algorithms, and/or has population frequency not consistent with disease.